The following is an entry in ClinVar:

ClinVar aggregate classification (germline): Uncertain significance (1 of 4 stars; one submission).

Conditions:
3-Oxo-5 alpha-steroid delta 4-dehydrogenase deficiency (PPSH). Also called: 46,XY disorder of sex development due to 5-alpha-reductase 2 deficiency; PSEUDOVAGINAL PERINEOSCROTAL HYPOSPADIAS; FAMILIAL INCOMPLETE MALE PSEUDOHERMAPHRODITISM, TYPE 2; MALE PSEUDOHERMAPHRODITISM DUE TO 5-ALPHA-REDUCTASE DEFICIENCY. Identifiers: Orphanet 753, MedGen C0268297, MONDO:0009923, OMIM 264600. Disease mechanism: loss of function.

Submission:

Neuberg Centre For Genomic Medicine, NCGM
Classification: Uncertain significance for 3-Oxo-5 alpha-steroid delta 4-dehydrogenase deficiency. Last evaluated: 2023-06-22. Review status: criteria provided, single submitter. Criteria: ACMG Guidelines, 2015. Collection method: clinical testing. Allele origin: germline. Inheritance: Autosomal recessive inheritance. Affected: yes.
Comment: The observed missense variant c.620C>T(p.Thr207Ile) in SRD5A2 gene has not been reported previously as a pathogenic variant nor as a benign variant, to our knowledge. The c.620C>T(p.Thr207Ile) variant is reported with 0.0004% allele frequency in gnomAD Exomes. It has been submitted to ClinVar as Pathogenic/Likely Pathogenic. However, no details are available for independent assessment. The variant is predicted to be damaging by SIFT. The amino acid Thr at position 207 is changed to a Ile changing protein sequence and it might alter its composition and physico-chemical properties. The reference amino acid p.Thr207Ile in SRD5A2 is predicted as conserved by GERP++ and PhyloP across 100 vertebrates. For these reasons, this variant has been classified as Uncertain Significance.

NM_000348.4(SRD5A2):c.620C>T (p.Ala207Val)

Gene: SRD5A2 (steroid 5 alpha-reductase 2; minus strand). Cytogenetic location: 2p23.1.
Variant type: single nucleotide variant.
Coding change: c.620C>T on transcript NM_000348.4 (MANE Select); coding-DNA position 620, C replaced by T.
Protein change: p.Ala207Val; replaces alanine 207 with valine.
Molecular consequence: missense variant.
Genome position (GRCh38, 1-based): chr2:31,529,385, G>A on the plus strand (C>T on the coding strand, the complement: SRD5A2 is on the minus strand). VCF-style: chr2-31529385-G-A. GRCh37 (hg19) VCF-style: chr2-31754455-G-A.
Other names: short protein forms A207V.
Identifiers: ClinVar variation 3377575 (VCV003377575.1).
Genomic context (GRCh38, chr2:31,529,385, plus strand): 5'-CGCAGCCCAAGGAAACAAAGTGAGAAAAATGCAAATGCAAGTGCTGGGAGGGACCAAGTG[G>A]CCAGGGCATAGCCGATCCATTCAATGATCTCACCGAGGAAATTGGCTCCAGAAACATACG-3'
Protein context (NP_000339.2, residues 197-217): EIIEWIGYAL[Ala207Val]TWSLPALAFA